The following is an entry in ClinVar:

ClinVar aggregate classification (germline): Likely pathogenic (1 of 4 stars; one submission).

Conditions:
Tuberous sclerosis 2 (TSC2). Identifiers: Orphanet 805, MedGen C1860707, MONDO:0013199, OMIM 613254.

Submission:

3billion
Classification: Likely pathogenic for Tuberous sclerosis 2. Last evaluated: 2024-10-29. Review status: criteria provided, single submitter. Criteria: ACMG Guidelines, 2015. Collection method: clinical testing. Allele origin: germline. Affected: yes.
Comment: The variant is not observed in the gnomAD v4.1.0 dataset. Predicted Consequence/Location: Stop-gained (nonsense): predicted to result in a loss or disruption of normal protein function through nonsense-mediated decay (NMD) or protein truncation. Multiple pathogenic variants are reported downstream of the variant. Therefore, this variant is classified as Likely pathogenic according to the recommendation of ACMG/AMP guideline.

NM_000548.5(TSC2):c.4471A>T (p.Lys1491Ter)

Gene: TSC2 (TSC complex subunit 2; plus strand). Cytogenetic location: 16p13.3.
Variant type: single nucleotide variant.
Coding change: c.4471A>T on transcript NM_000548.5 (MANE Select); coding-DNA position 4471, A replaced by T.
Protein change: p.Lys1491Ter; replaces lysine 1491 with a stop codon.
Molecular consequence: nonsense. On other transcripts: non-coding transcript variant (5).
Genome position (GRCh38, 1-based): chr16:2,084,693, A>T. VCF-style: chr16-2084693-A-T. GRCh37 (hg19) VCF-style: chr16-2134694-A-T.
Other names: c.4270A>T, p.Lys1424Ter (NM_001077183.3); c.4402A>T, p.Lys1468Ter (NM_001114382.3); c.4162A>T, p.Lys1388Ter (NM_001318827.2); c.4126A>T, p.Lys1376Ter (NM_001318829.2); c.3739A>T, p.Lys1247Ter (NM_001318831.2); c.4303A>T, p.Lys1435Ter (NM_001318832.2); c.4273A>T, p.Lys1425Ter (NM_001363528.2); c.4339A>T, p.Lys1447Ter (NM_001370404.1); and 26 more; short protein forms K1000*, K1020*, K1224*, K1225*, K1247*, K1267*, K1268*, K1271*.
Identifiers: ClinVar variation 4293083 (VCV004293083.1).